The following is an entry in ClinVar:

ClinVar aggregate classification (germline): Uncertain significance. Review status: criteria provided, multiple submitters, no conflicts (2 of 4 stars). 2 submissions from 2 submitters: Uncertain significance (2). Last evaluated 2023-08-21.

Conditions:
Hermansky-Pudlak syndrome 2 (HPS2). Also called: Platelet defects and oculocutaneous albinism. Identifiers: Orphanet 183678, Orphanet 79430, MedGen C1842362, MONDO:0011997, OMIM 608233.
Inborn genetic diseases. Identifiers: MedGen C0950123, MeSH D030342.

Allele frequency attached by ClinVar (database versions not stated): TOPMed below 0.00001; ExAC 0.00007.
gnomAD v4.1: 36 of 1,613,756 alleles (0.0022%); highest among the groups gnomAD compares: Non-Finnish European, 0.0031%; 1 homozygote.

Submissions (2):

Ambry Genetics
Classification: Uncertain significance for Inborn genetic diseases. Last evaluated: 2023-08-21. Review status: criteria provided, single submitter. Criteria: Ambry Variant Classification Scheme 2023. Collection method: clinical testing. Allele origin: germline.

Labcorp Genetics (formerly Invitae), Labcorp
Classification: Uncertain significance for Hermansky-Pudlak syndrome 2. Last evaluated: 2022-08-03. Review status: criteria provided, single submitter. Criteria: Invitae Variant Classification Sherloc (09022015). Collection method: clinical testing. Allele origin: germline.
Comment: This sequence change replaces aspartic acid, which is acidic and polar, with histidine, which is basic and polar, at codon 1040 of the AP3B1 protein (p.Asp1040His). This variant is present in population databases (rs764848036, gnomAD 0.008%), including at least one homozygous and/or hemizygous individual. This variant has not been reported in the literature in individuals affected with AP3B1-related conditions. ClinVar contains an entry for this variant (Variation ID: 947498). Algorithms developed to predict the effect of missense changes on protein structure and function are either unavailable or do not agree on the potential impact of this missense change (SIFT: "Tolerated"; PolyPhen-2: "Possibly Damaging"; Align-GVGD: "Class C0"). In summary, the available evidence is currently insufficient to determine the role of this variant in disease. Therefore, it has been classified as a Variant of Uncertain Significance.

NM_003664.5(AP3B1):c.3118G>C (p.Asp1040His)

Gene: AP3B1 (adaptor related protein complex 3 subunit beta 1; minus strand). Cytogenetic location: 5q14.1.
Variant type: single nucleotide variant.
Coding change: c.3118G>C on transcript NM_003664.5 (MANE Select); coding-DNA position 3118, G replaced by C.
Protein change: p.Asp1040His; replaces aspartic acid 1040 with histidine.
Molecular consequence: missense variant.
Genome position (GRCh38, 1-based): chr5:78,015,423, C>G on the plus strand (G>C on the coding strand, the complement: AP3B1 is on the minus strand). VCF-style: chr5-78015423-C-G. GRCh37 (hg19) VCF-style: chr5-77311247-C-G.
Other names: c.2971G>C, p.Asp991His (NM_001271769.2); c.3118G>C (NM_003664.3); short protein forms D1040H, D991H.
Identifiers: ClinVar variation 947498 (VCV000947498.6), dbSNP rs764848036, ClinGen allele CA3316578.